The following is an entry in ClinVar:

ClinVar aggregate classification (germline): Pathogenic (1 of 4 stars; one submission).

Conditions:
BAP1-related tumor predisposition syndrome (TPDS1). Also called: Tumor susceptibility linked to germline BAP1 mutations; COMMON Syndrome; TUMOR PREDISPOSITION SYNDROME 1; BAP1 tumor predisposition syndrome. Identifiers: Orphanet 289539, MedGen C3280492, MONDO:0013692, OMIM 614327.

Submission:

Labcorp Genetics (formerly Invitae), Labcorp
Classification: Pathogenic for BAP1-related tumor predisposition syndrome. Last evaluated: 2024-11-17. Review status: criteria provided, single submitter. Criteria: Invitae Variant Classification Sherloc (09022015). Collection method: clinical testing. Allele origin: germline.
Comment: This sequence change creates a premature translational stop signal (p.His347Thrfs*15) in the BAP1 gene. It is expected to result in an absent or disrupted protein product. Loss-of-function variants in BAP1 are known to be pathogenic (PMID: 21874000, 23684012). This variant is not present in population databases (gnomAD no frequency). This variant has not been reported in the literature in individuals affected with BAP1-related conditions. Algorithms developed to predict the effect of sequence changes on RNA splicing suggest that this variant may disrupt the consensus splice site. For these reasons, this variant has been classified as Pathogenic.

Literature cited by the submitters: PubMed 21874000; PubMed 23684012.

NM_004656.4(BAP1):c.1038del (p.His347fs)

Gene: BAP1 (BRCA1 associated deubiquitinase 1; minus strand). Cytogenetic location: 3p21.1.
Variant type: Deletion.
Coding change: c.1038del on transcript NM_004656.4 (MANE Select); coding-DNA position 1038, one base deleted (T; older notation c.1038delT).
Protein change: p.His347fs; shifts the reading frame from histidine 347.
Molecular consequence: frameshift variant.
Genome position (GRCh38, 1-based): chr3:52,405,188, A deleted on the plus strand (T on the coding strand, the reverse complement: BAP1 is on the minus strand); the first of 2 consecutive A bases (chr3:52,405,188-52,405,189); deleting either gives the same sequence. VCF-style (leftmost placement, unchanged base first): chr3-52405187-GA-G. GRCh37 (hg19) VCF-style: chr3-52439203-GA-G.
Other names: c.984del, p.His329fs (NM_001410772.1); short protein forms H347fs, H329fs.
Identifiers: ClinVar variation 3655956 (VCV003655956.2).